The following is an entry in ClinVar:

ClinVar aggregate classification (germline): Uncertain significance (1 of 4 stars; one submission).

Submission:

GeneDx
Classification: Uncertain significance. Last evaluated: 2024-05-14. Review status: criteria provided, single submitter. Criteria: GeneDx Variant Classification Process June 2021. Collection method: clinical testing. Allele origin: germline. Affected: yes.
Comment: Not observed at significant frequency in large population cohorts (gnomAD); In silico analysis supports that this missense variant has a deleterious effect on protein structure/function; Has not been previously published as pathogenic or benign to our knowledge

NM_001348323.3(TRIP12):c.562A>G (p.Ser188Gly)

Gene: TRIP12 (thyroid hormone receptor interactor 12; minus strand). Cytogenetic location: 2q36.3.
Variant type: single nucleotide variant.
Coding change: c.562A>G on transcript NM_001348323.3 (MANE Select); coding-DNA position 562, A replaced by G.
Protein change: p.Ser188Gly; replaces serine 188 with glycine.
Molecular consequence: missense variant. On other transcripts: intron variant (1).
Genome position (GRCh38, 1-based): chr2:229,859,237, T>C on the plus strand (A>G on the coding strand, the complement: TRIP12 is on the minus strand). VCF-style: chr2-229859237-T-C. GRCh37 (hg19) VCF-style: chr2-230723953-T-C.
Other names: c.562A>G, p.Ser188Gly (NM_001284214.2, NM_001348315.2, NM_001348319.1 and 15 more transcripts); c.436A>G, p.Ser146Gly (NM_001284215.2, NM_001348316.2, NM_001348317.1 and 3 more transcripts); c.98+20745A>G (NM_001284216.2); short protein forms S146G, S188G.
Identifiers: ClinVar variation 3378198 (VCV003378198.1).